The following is an entry in ClinVar:

ClinVar aggregate classification (germline): Uncertain significance. Review status: criteria provided, multiple submitters, no conflicts (2 of 4 stars). 2 submissions from 2 submitters: Uncertain significance (2). Last evaluated 2024-02-01.

Conditions:
Potassium-aggravated myotonia. Also called: Myotonia congenita, atypical, acetazolamide-responsive; MYOTONIA CONGENITA, ACETAZOLAMIDE-RESPONSIVE; MYOTONIA CONGENITA, ATYPICAL; SODIUM CHANNEL MUSCLE DISEASE. Identifiers: Orphanet 612, Orphanet 99734, Orphanet 99735, Orphanet 99736, MedGen C2931826, MONDO:0018959, OMIM 608390.
Congenital myasthenic syndrome 16. Identifiers: Orphanet 590, MedGen C3280112, MONDO:0013620, OMIM 614198.
Paramyotonia congenita of Von Eulenburg. Also called: Paramyotonia Congenita; PARALYSIS PERIODICA PARAMYOTONICA; Eulenburg disease; Myotonia congenita intermittens; Von Eulenburg paramyotonia congenita. Identifiers: Orphanet 684, MedGen C0221055, MONDO:0008195, OMIM 168300. Disease mechanism: loss of function.
Hypokalemic periodic paralysis, type 2 (HOKPP2). Identifiers: Orphanet 681, MedGen C2750061, MONDO:0013234, OMIM 613345.
Hypokalemic periodic paralysis, type 1. Also called: Hypokalemic Periodic Paralysis Type 1 (AD); HypoPP. Identifiers: Orphanet 681, MedGen C3714580, MONDO:0042979, OMIM 170400.
Hyperkalemic periodic paralysis. Also called: Familial hyperkalemic periodic paralysis; Gamstorp disease. Identifiers: Orphanet 682, MedGen C0238357, MONDO:0008224, OMIM 170500, HP:0007215.

Allele frequency attached by ClinVar (database versions not stated): ExAC 0.00001; ESP Exome Variant Server 0.00008; TOPMed 0.00001.
gnomAD v4.1: 7 of 1,613,782 alleles (0.00043%); highest among the groups gnomAD compares: African/African-American, 0.004%; no homozygotes.

Submissions (2):

Labcorp Genetics (formerly Invitae), Labcorp
Classification: Uncertain significance for Hyperkalemic periodic paralysis. Last evaluated: 2024-02-01. Review status: criteria provided, single submitter. Criteria: Invitae Variant Classification Sherloc (09022015). Collection method: clinical testing. Allele origin: germline.
Comment: This sequence change replaces methionine, which is neutral and non-polar, with threonine, which is neutral and polar, at codon 897 of the SCN4A protein (p.Met897Thr). This variant is present in population databases (rs370879135, gnomAD 0.007%). This variant has not been reported in the literature in individuals affected with SCN4A-related conditions. ClinVar contains an entry for this variant (Variation ID: 949241). Advanced modeling of protein sequence and biophysical properties (such as structural, functional, and spatial information, amino acid conservation, physicochemical variation, residue mobility, and thermodynamic stability) performed at Invitae indicates that this missense variant is not expected to disrupt SCN4A protein function with a negative predictive value of 95%. In summary, the available evidence is currently insufficient to determine the role of this variant in disease. Therefore, it has been classified as a Variant of Uncertain Significance.

Fulgent Genetics
Classification: Uncertain significance for Paramyotonia congenita of Von Eulenburg; Hypokalemic periodic paralysis, type 1; Hyperkalemic periodic paralysis; Potassium-aggravated myotonia; Hypokalemic periodic paralysis, type 2; Congenital myasthenic syndrome 16. Last evaluated: 2022-01-17. Review status: criteria provided, single submitter. Criteria: ACMG Guidelines, 2015. Collection method: clinical testing. Allele origin: unknown.

NM_000334.4(SCN4A):c.2690T>C (p.Met897Thr)

Genes: GH-LCR (growth hormone locus control region; plus strand), SCN4A (sodium voltage-gated channel alpha subunit 4; minus strand). Cytogenetic location: 17q23.3.
Variant type: single nucleotide variant.
Coding change: c.2690T>C on transcript NM_000334.4 (MANE Select); coding-DNA position 2690, T replaced by C.
Protein change: p.Met897Thr; replaces methionine 897 with threonine.
Molecular consequence: missense variant.
Genome position (GRCh38, 1-based): chr17:63,951,587, A>G on the plus strand (T>C on the coding strand, the complement: SCN4A is on the minus strand). VCF-style: chr17-63951587-A-G. GRCh37 (hg19) VCF-style: chr17-62028947-A-G.
Other names: short protein forms M897T.
Identifiers: ClinVar variation 949241 (VCV000949241.10), dbSNP rs370879135, ClinGen allele CA8709524.